The following is an entry in ClinVar:

ClinVar aggregate classification (germline): Uncertain significance (1 of 4 stars; one submission).

Conditions:
Inborn genetic diseases. Identifiers: MedGen C0950123, MeSH D030342.

Submission:

Ambry Genetics
Classification: Uncertain significance for Inborn genetic diseases. Last evaluated: 2022-01-06. Review status: criteria provided, single submitter. Criteria: Ambry Variant Classification Scheme 2023. Collection method: clinical testing. Allele origin: germline.
Comment: The c.417_422delGGATGA (p.E139_D140del) alteration is located in exon 4 (coding exon 3) of the CHD4 gene. This alteration consists of an in-frame deletion of 6 nucleotides between nucleotide positions c.417 and c.422, resulting in the deletion of 2 residues. Based on insufficient or conflicting evidence, the clinical significance of this alteration remains unclear.

NM_001273.5(CHD4):c.417_422del (p.Glu139_Asp140del)

Gene: CHD4 (chromodomain helicase DNA binding protein 4; minus strand). Cytogenetic location: 12p13.31.
Variant type: Deletion.
Coding change: c.417_422del on transcript NM_001273.5 (MANE Select); coding-DNA positions 417 to 422, 6 bases deleted (GGATGA; older notation c.417_422delGGATGA).
Protein change: p.Glu139_Asp140del.
Molecular consequence: inframe deletion.
Genome position (GRCh38, 1-based): chr12:6,601,976-6,601,981, TCATCC deleted on the plus strand (GGATGA on the coding strand, the reverse complement: CHD4 is on the minus strand); deleting any 6 consecutive bases within chr12:6,601,976-6,601,983 gives the same sequence; the c. name uses the placement nearest the transcript's 3' end. VCF-style (leftmost placement, unchanged base first): chr12-6601975-ATCATCC-A. GRCh37 (hg19) VCF-style: chr12-6711141-ATCATCC-A.
Other names: c.396_401del, p.Glu132_Asp133del (NM_001297553.2); c.417_422del, p.Glu139_Asp140del (NM_001363606.2).
Identifiers: ClinVar variation 2264867 (VCV002264867.2), dbSNP rs2540415493, ClinGen allele CA2580086263.